The following is an entry in ClinVar:

ClinVar aggregate classification (germline): Uncertain significance (1 of 4 stars; one submission).

Conditions:
Familial thoracic aortic aneurysm and aortic dissection (TAAD). Also called: Thoracic aortic aneurysms and dissections. Identifiers: Orphanet 91387, MedGen C4707243, MONDO:0019625.

Submission:

Ambry Genetics
Classification: Uncertain significance for Familial thoracic aortic aneurysm and aortic dissection. Last evaluated: 2024-02-12. Review status: criteria provided, single submitter. Criteria: Ambry Variant Classification Scheme 2023. Collection method: clinical testing. Allele origin: germline.
Comment: The p.V1197A variant (also known as c.3590T>C), located in coding exon 26 of the MED12 gene, results from a T to C substitution at nucleotide position 3590. The valine at codon 1197 is replaced by alanine, an amino acid with similar properties. This amino acid position is conserved. In addition, this alteration is predicted to be tolerated by in silico analysis. Based on the available evidence, the clinical significance of this alteration remains unclear.

NM_005120.3(MED12):c.3590T>C (p.Val1197Ala)

Gene: MED12 (mediator complex subunit 12; plus strand). Cytogenetic location: Xq13.1.
Variant type: single nucleotide variant.
Coding change: c.3590T>C on transcript NM_005120.3 (MANE Select); coding-DNA position 3590, T replaced by C.
Protein change: p.Val1197Ala; replaces valine 1197 with alanine.
Molecular consequence: missense variant.
Genome position (GRCh38, 1-based): chrX:71,129,328, T>C. VCF-style: chrX-71129328-T-C. GRCh37 (hg19) VCF-style: chrX-70349178-T-C.
Other names: short protein forms V1197A.
Identifiers: ClinVar variation 3224582 (VCV003224582.1), dbSNP rs2147805502, ClinGen allele CA413520096.
Genomic context (GRCh38, chrX:71,129,328, plus strand): 5'-CTCCGTGGATTCTACTTTTGCTTCCCCTGACTTCATCGCCTTCCCCAGACAAGCCTACAG[T>C]AGGAATCCGCTCCTCCTGCGACCGCCACCTGCTGGCTGCCTCCCAGAACCGCATCGTGGA-3'
Protein context (NP_005111.2, residues 1187-1207): PCQSDGNKPT[Val1197Ala]GIRSSCDRHL